The following is an entry in ClinVar:

ClinVar aggregate classification (germline): Uncertain significance. Review status: criteria provided, multiple submitters, no conflicts (2 of 4 stars). 2 submissions from 2 submitters: Uncertain significance (2). Last evaluated 2025-04-28.

Conditions:
Inborn genetic diseases. Identifiers: MedGen C0950123, MeSH D030342.

gnomAD v4.1: 4 of 1,613,962 alleles (0.00025%); highest among the groups gnomAD compares: Non-Finnish European, 0.00034%; no homozygotes.

Submissions (2):

Mayo Clinic Laboratories, Mayo Clinic
Classification: Uncertain significance. Last evaluated: 2025-04-28. Review status: criteria provided, single submitter. Criteria: ACMG Guidelines, 2015. Collection method: clinical testing. Allele origin: germline. Observed: 1 variant allele.
Comment: PM2_supporting

Ambry Genetics
Classification: Uncertain significance for Inborn genetic diseases. Last evaluated: 2024-07-17. Review status: criteria provided, single submitter. Criteria: Ambry Variant Classification Scheme 2023. Collection method: clinical testing. Allele origin: germline.

NM_012200.4(B3GAT3):c.703C>T (p.Arg235Trp)

Gene: B3GAT3 (beta-1,3-glucuronyltransferase 3; minus strand). Cytogenetic location: 11q12.3.
Variant type: single nucleotide variant.
Coding change: c.703C>T on transcript NM_012200.4 (MANE Select); coding-DNA position 703, C replaced by T.
Protein change: p.Arg235Trp; replaces arginine 235 with tryptophan.
Molecular consequence: missense variant. On other transcripts: non-coding transcript variant (1).
Genome position (GRCh38, 1-based): chr11:62,616,712, G>A on the plus strand (C>T on the coding strand, the complement: B3GAT3 is on the minus strand). VCF-style: chr11-62616712-G-A. GRCh37 (hg19) VCF-style: chr11-62384184-G-A.
Other names: p.Arg235Trp; c.682C>T, p.Arg228Trp (NM_001288721.2); c.703C>T, p.Arg235Trp (NM_001288722.2, NM_001288723.2); short protein forms R235W, R228W.
Identifiers: ClinVar variation 3471697 (VCV003471697.2).